The following is an entry in ClinVar:

NM_182961.4(SYNE1):c.14955+186T>C

Gene: SYNE1 (spectrin repeat containing nuclear envelope protein 1; minus strand). Cytogenetic location: 6q25.2.
Variant type: single nucleotide variant.
Coding change: c.14955+186T>C on transcript NM_182961.4 (MANE Select); 186 bases into the intron after coding-DNA position 14955, T replaced by C.
Molecular consequence: intron variant.
Genome position (GRCh38, 1-based): chr6:152,329,544, A>G on the plus strand (T>C on the coding strand, the complement: SYNE1 is on the minus strand). VCF-style: chr6-152329544-A-G. GRCh37 (hg19) VCF-style: chr6-152650679-A-G.
Other names: c.14742+186T>C (NM_033071.5).
Identifiers: ClinVar variation 1697079 (VCV001697079.2), dbSNP rs193248343, ClinGen allele CA150175000.

ClinVar aggregate classification (germline): Likely benign (1 of 4 stars; one submission).

Allele frequency attached by ClinVar (database versions not stated): TOPMed 0.00020; 1000 Genomes Project 0.00160; gnomAD 0.00171 and 0.00179.
gnomAD v4.1: 257 of 152,246 alleles (0.17%); highest among the groups gnomAD compares: Non-Finnish European, 0.13%; 1 homozygote.

Submission:

GeneDx
Classification: Likely benign. Last evaluated: 2022-01-14. Review status: criteria provided, single submitter. Criteria: GeneDx Variant Classification Process June 2021. Collection method: clinical testing. Allele origin: germline. Affected: yes.
Comment: See Variant Classification Assertion Criteria.